The following is an entry in ClinVar:

ClinVar aggregate classification (germline): Likely pathogenic. Review status: criteria provided, multiple submitters, no conflicts (2 of 4 stars). 2 submissions from 2 submitters: Likely pathogenic (2). Last evaluated 2022-08-09.

Conditions:
Kabuki syndrome 1 (KABUK1). Also called: KMT2D-Related Kabuki Syndrome. Identifiers: Orphanet 2322, MedGen CN030661, MONDO:0007843, OMIM 147920.
Kabuki syndrome. Also called: NIIKAWA-KUROKI SYNDROME; Kabuki make-up syndrome. Identifiers: Orphanet 2322, MedGen C0796004, MONDO:0016512.

Submissions (2):

Labcorp Genetics (formerly Invitae), Labcorp
Classification: Likely pathogenic for Kabuki syndrome. Last evaluated: 2022-08-09. Review status: criteria provided, single submitter. Criteria: Invitae Variant Classification Sherloc (09022015). Collection method: clinical testing. Allele origin: germline.
Comment: In summary, the currently available evidence indicates that the variant is pathogenic, but additional data are needed to prove that conclusively. Therefore, this variant has been classified as Likely Pathogenic. This variant disrupts the p.Arg5179 amino acid residue in KMT2D. Other variant(s) that disrupt this residue have been determined to be pathogenic (PMID: 20711175, 23913813, 25755104, 27302555). This suggests that this residue is clinically significant, and that variants that disrupt this residue are likely to be disease-causing. Advanced modeling of protein sequence and biophysical properties (such as structural, functional, and spatial information, amino acid conservation, physicochemical variation, residue mobility, and thermodynamic stability) performed at Invitae indicates that this missense variant is expected to disrupt KMT2D protein function. ClinVar contains an entry for this variant (Variation ID: 1513321). This variant has not been reported in the literature in individuals affected with KMT2D-related conditions. This variant is not present in population databases (gnomAD no frequency). This sequence change replaces arginine, which is basic and polar, with proline, which is neutral and non-polar, at codon 5179 of the KMT2D protein (p.Arg5179Pro).

Juno Genomics, Hangzhou Juno Genomics, Inc
Classification: Likely pathogenic for Kabuki syndrome 1. Review status: criteria provided, single submitter. Criteria: ACMG Guidelines, 2015. Collection method: clinical testing. Allele origin: germline. Affected: yes.
Comment: Absent from controls (or at extremely low frequency if recessive) in Genome Aggregation Database.;De novo (both maternity and paternity confirmed) in a patient with the disease and no family history.;Novel missense change at an amino acid residue where a different missense change determined to be pathogenic has been seen before.;Multiple lines of computational evidence support a deleterious effect on the gene or gene product.;Missense variant in a gene that has a low rate of benign missense variation.

Literature cited by the submitters: PubMed 20711175 (cited by Labcorp Genetics (formerly Invitae), Labcorp); PubMed 23913813 (cited by Labcorp Genetics (formerly Invitae), Labcorp); PubMed 25755104 (cited by Labcorp Genetics (formerly Invitae), Labcorp); PubMed 27302555 (cited by Labcorp Genetics (formerly Invitae), Labcorp).

NM_003482.4(KMT2D):c.15536G>C (p.Arg5179Pro)

Gene: KMT2D (lysine methyltransferase 2D; minus strand). Cytogenetic location: 12q13.12.
Variant type: single nucleotide variant.
Coding change: c.15536G>C on transcript NM_003482.4 (MANE Select); coding-DNA position 15536, G replaced by C.
Protein change: p.Arg5179Pro; replaces arginine 5179 with proline.
Molecular consequence: missense variant.
Genome position (GRCh38, 1-based): chr12:49,026,430, C>G on the plus strand (G>C on the coding strand, the complement: KMT2D is on the minus strand). VCF-style: chr12-49026430-C-G. GRCh37 (hg19) VCF-style: chr12-49420213-C-G.
Other names: short protein forms R5179P.
Identifiers: ClinVar variation 1513321 (VCV001513321.9), dbSNP rs267607237, ClinGen allele CA384687087.